The following is an entry in ClinVar:

NM_001009944.3(PKD1):c.7174del (p.Arg2392fs)

Gene: PKD1 (polycystin 1, transient receptor potential channel interacting; minus strand). Cytogenetic location: 16p13.3.
Variant type: Deletion.
Coding change: c.7174del on transcript NM_001009944.3 (MANE Select); coding-DNA position 7174, one base deleted (C; older notation c.7174delC).
Protein change: p.Arg2392fs; shifts the reading frame from arginine 2392.
Molecular consequence: frameshift variant.
Genome position (GRCh38, 1-based): chr16:2,106,840, G deleted on the plus strand (C on the coding strand, the reverse complement: PKD1 is on the minus strand); the first of 2 consecutive G bases (chr16:2,106,840-2,106,841); deleting either gives the same sequence. VCF-style (leftmost placement, unchanged base first): chr16-2106839-CG-C. GRCh37 (hg19) VCF-style: chr16-2156840-CG-C.
Other names: c.7174del, p.Arg2392fs (NM_000296.4); short protein forms R2392fs.
Identifiers: ClinVar variation 433978 (VCV000433978.5), dbSNP rs1555453360, ClinGen allele CA645373036.

ClinVar aggregate classification (germline): Pathogenic. Review status: criteria provided, multiple submitters, no conflicts (2 of 4 stars). 3 submissions from 3 submitters: Pathogenic (2). 1 of the submissions does not count toward it. Last evaluated 2026-06-22.

Conditions:
PKD1-related disorder. Also called: PKD1-related condition.
Polycystic kidney disease, adult type (PKD1). Also called: POLYCYSTIC KIDNEY DISEASE 1 WITH OR WITHOUT POLYCYSTIC LIVER DISEASE; POLYCYSTIC KIDNEY DISEASE, ADULT, TYPE I; Polycystic Kidney Disease 1, Autosomal Dominant; Polycystic kidney disease 1; Polycystic kidney disease 1, severe; Polycystic Kidney, Autosomal Dominant. Identifiers: MedGen C3149841, MONDO:0008263, OMIM 173900.
Polycystic kidney disease. Also called: Kidney, Polycystic; Polycystic kidney dysplasia. Identifiers: HP:0000113, MedGen C0022680, MeSH D007690, MONDO:0020642.

Submissions (3):

PreventionGenetics, part of Exact Sciences
Classification: Pathogenic for PKD1-related condition. Last evaluated: 2026-06-22. Review status: criteria provided, single submitter. Criteria: ACMG Guidelines, 2015. Collection method: clinical testing. Allele origin: germline.
Comment: The PKD1 c.7174delC variant is predicted to result in a frameshift and premature protein termination (p.Arg2392Alafs*228). This variant was reported to occur de novo in an individual with autosomal dominant polycystic kidney disease (ADPKD) (Table S3, Trujillano et al. 2017. PubMed ID: 27848944). This variant has not been reported in a large population database (gnomAD), indicating this variant is rare. Frameshift variants in PKD1 are expected to be pathogenic. This variant is interpreted as pathogenic.

Fulgent Genetics
Classification: Pathogenic for Polycystic kidney disease, adult type. Last evaluated: 2022-04-30. Review status: criteria provided, single submitter. Criteria: ACMG Guidelines, 2015. Collection method: clinical testing. Allele origin: unknown.

Department of Pathology and Laboratory Medicine, Sinai Health System
Classification: Pathogenic for Polycystic Kidney disease. Review status: no assertion criteria provided. Collection method: clinical testing. Allele origin: unknown. Affected: yes. Study: The Canadian Open Genetics Repository (COGR). Not counted in ClinVar's aggregate classification.
Comment: The PKD1, p.Arg2392AlafsX228 variant was not identified in the literature nor was it identified in the dbSNP, the Exome Aggregation Consortium database (March 14 2016), Clinvitae, ClinVar, GeneInsight COGR, MutDB, ADPKD Mutation Database, PKD1-LOVD, or PKD1-LOVD 3.0 databases. The variant occurs outside of the splicing consensus sequence and in silico or computational prediction software programs (SpliceSiteFinder, MaxEntScan, NNSPLICE, GeneSplicer, HumanSpliceFinder) do not predict a difference in splicing. The c.7174delC variant is predicted to cause a frameshift, which alters the protein amino acid sequence beginning at codon 2392 and leads to a premature stop codon 228 codons downstream. This alteration is then predicted to result in a truncated or absent protein and loss of function. Loss of function variants of the PKD1 gene are an established mechanism of disease in autosomal dominant polycystic kidney disease and is the type of variant expected to cause the disorder. In summary, based on the above information, this variant meets our laboratoryâ€šÃ„Ã´s criteria to be classified as pathogenic.